The following is an entry in ClinVar:

ClinVar aggregate classification (germline): Benign/Likely benign. Review status: criteria provided, multiple submitters, no conflicts (2 of 4 stars). 11 submissions from 11 submitters: Benign (4); Likely benign (6). 1 of the submissions does not count toward it. Last evaluated 2026-01-27.

Conditions:
Hereditary nonpolyposis colorectal neoplasms. Identifiers: MedGen C0009405, MeSH D003123.
Hereditary cancer-predisposing syndrome. Also called: Hereditary neoplastic syndrome; Neoplastic Syndromes, Hereditary; Tumor predisposition; Hereditary Cancer Syndrome. Identifiers: Orphanet 140162, MedGen C0027672, MeSH D009386, MONDO:0015356.
Lynch syndrome. Identifiers: Orphanet 144, MedGen C4552100, MONDO:0005835. Disease mechanism: loss of function.
Lynch syndrome 5 (LYNCH5). Also called: Hereditary non-polyposis colorectal cancer, type 5; Colorectal cancer, hereditary nonpolyposis, type 5. Identifiers: Orphanet 144, MedGen C1833477, MONDO:0013710, OMIM 614350. Disease mechanism: loss of function.

Allele frequency attached by ClinVar (database versions not stated): gnomAD 0.00003; gnomAD exomes 0.00003 and 0.00013; TOPMed 0.00007; ExAC 0.00016.
gnomAD v4.1: 50 of 1,614,108 alleles (0.0031%); highest among the groups gnomAD compares: Admixed American, 0.068%; 1 homozygote.

Submissions (11):

Labcorp Genetics (formerly Invitae), Labcorp
Classification: Benign for Hereditary nonpolyposis colorectal neoplasms. Last evaluated: 2026-01-27. Review status: criteria provided, single submitter. Criteria: Invitae Variant Classification Sherloc (09022015). Collection method: clinical testing. Allele origin: germline.

All of Us Research Program, National Institutes of Health
Classification: Likely benign for Lynch syndrome. Last evaluated: 2023-11-30. Review status: criteria provided, single submitter. Criteria: ACMG Guidelines, 2015. Collection method: clinical testing. Allele origin: germline. Inheritance: Autosomal dominant inheritance. Observed: 8 variant alleles, 8 heterozygotes.
Comment: This study involves interpretation of variants in research participants for the purpose of population health screening. Participant phenotype was not available at the time of variant classification. Additional details can be found in publication PMID: 35346344, PMCID: PMC8962531

Myriad Genetics, Inc.
Classification: Benign for Lynch syndrome 5. Last evaluated: 2023-03-28. Review status: criteria provided, single submitter. Criteria: Myriad Autosomal Dominant, Autosomal Recessive and X-Linked Classification Criteria (2023). Collection method: clinical testing. Allele origin: unknown.
Comment: This variant is considered benign. This variant is a silent/synonymous amino acid change and it is not expected to impact splicing.

Women's Health and Genetics/Laboratory Corporation of America, LabCorp
Classification: Likely benign. Last evaluated: 2022-11-03. Review status: criteria provided, single submitter. Criteria: LabCorp Variant Classification Summary - May 2015. Collection method: clinical testing. Allele origin: germline.

Quest Diagnostics Nichols Institute San Juan Capistrano
Classification: Benign. Last evaluated: 2022-05-25. Review status: criteria provided, single submitter. Criteria: Quest Diagnostics criteria. Collection method: clinical testing. Allele origin: unknown.

Department of Pathology and Laboratory Medicine, Sinai Health System
Classification: Likely benign for Lynch syndrome. Last evaluated: 2022-04-05. Review status: criteria provided, single submitter. Criteria: ACMG Guidelines, 2015. Collection method: clinical testing. Allele origin: germline. Affected: yes.

Sema4
Classification: Benign for Hereditary cancer-predisposing syndrome. Last evaluated: 2020-11-04. Review status: criteria provided, single submitter. Criteria: Sema4 Curation Guidelines. Collection method: curation. Allele origin: germline.

GeneDx
Classification: Likely benign. Last evaluated: 2019-06-18. Review status: criteria provided, single submitter. Criteria: GeneDx Variant Classification Process June 2021. Collection method: clinical testing. Allele origin: germline. Affected: yes.

Color Diagnostics, LLC DBA Color Health
Classification: Likely benign for Hereditary cancer-predisposing syndrome. Last evaluated: 2016-12-07. Review status: criteria provided, single submitter. Criteria: ACMG Guidelines, 2015. Collection method: clinical testing. Allele origin: germline.

Ambry Genetics
Classification: Likely benign for Hereditary cancer-predisposing syndrome. Last evaluated: 2014-09-05. Review status: criteria provided, single submitter. Criteria: Ambry Variant Classification Scheme 2023. Collection method: clinical testing. Allele origin: germline.

Counsyl
Classification: Likely benign for Lynch syndrome 5. Last evaluated: 2016-01-28. Review status: no assertion criteria provided. Collection method: clinical testing. Allele origin: unknown. Not counted in ClinVar's aggregate classification.

NM_000179.3(MSH6):c.393A>C (p.Val131=)

Gene: MSH6 (mutS homolog 6; plus strand). Cytogenetic location: 2p16.3.
Variant type: single nucleotide variant.
Coding change: c.393A>C on transcript NM_000179.3 (MANE Select); coding-DNA position 393, A replaced by C.
Protein change: p.Val131=; no amino-acid change (valine 131 retained).
Molecular consequence: synonymous variant. On other transcripts: 5 prime UTR variant (2), intron variant (1).
Genome position (GRCh38, 1-based): chr2:47,791,059, A>C. VCF-style: chr2-47791059-A-C. GRCh37 (hg19) VCF-style: chr2-48018198-A-C.
Other names: c.-344A>C (NM_001281493.2); c.-510A>C (NM_001281494.2); c.238-7552A>C (NM_001281492.2).
Identifiers: ClinVar variation 186078 (VCV000186078.29), dbSNP rs752488540, ClinGen allele CA014766.
Genomic context (GRCh38, chr2:47,791,059, plus strand): 5'-CAACCACCCCTTTGATGGAACATTCATCCGCGAGAAAGGGAAATCAGTCCGTGTTCATGT[A>C]CAGTTTTTTGATGACAGCCCAACAAGGGGCTGGGTTAGCAAAAGGCTTTTAAAGCCATAT-3'
Protein context (NP_000170.1, residues 121-141): REKGKSVRVH[Val131=]QFFDDSPTRG